The following is an entry in ClinVar:

NM_004933.3(CDH15):c.1666C>T (p.Arg556Cys)

Gene: CDH15 (cadherin 15; plus strand). Cytogenetic location: 16q24.3.
Variant type: single nucleotide variant.
Coding change: c.1666C>T on transcript NM_004933.3 (MANE Select); coding-DNA position 1666, C replaced by T.
Protein change: p.Arg556Cys; replaces arginine 556 with cysteine.
Molecular consequence: missense variant.
Genome position (GRCh38, 1-based): chr16:89,192,255, C>T. VCF-style: chr16-89192255-C-T. GRCh37 (hg19) VCF-style: chr16-89258663-C-T.
Other names: short protein forms R556C.
Identifiers: ClinVar variation 2647035 (VCV002647035.24), dbSNP rs750253626, ClinGen allele CA8239378.

ClinVar aggregate classification (germline): Benign (1 of 4 stars; one submission).

Allele frequency attached by ClinVar (database versions not stated): gnomAD exomes 0.00026; gnomAD 0.00032; TOPMed 0.00035; ExAC 0.00221.
gnomAD v4.1: 452 of 1,530,182 alleles (0.03%); highest among the groups gnomAD compares: Admixed American, 0.035%; 2 homozygotes.

Submission:

CeGaT Center for Human Genetics Tuebingen
Classification: Benign. Last evaluated: 2023-02-01. Review status: criteria provided, single submitter. Criteria: CeGaT Center For Human Genetics Tuebingen Variant Classification Criteria Version 2. Collection method: clinical testing. Allele origin: germline. Affected: yes. Observed: 2 variant alleles.
Comment: CDH15: BS1, BS2